The following is an entry in ClinVar:

ClinVar aggregate classification (germline): Uncertain significance (1 of 4 stars; one submission).

Conditions:
Spastic paraplegia. Identifiers: MedGen C0037772, HP:0001258.

Submission:

Labcorp Genetics (formerly Invitae), Labcorp
Classification: Uncertain significance for Spastic paraplegia. Last evaluated: 2024-11-18. Review status: criteria provided, single submitter. Criteria: Invitae Variant Classification Sherloc (09022015). Collection method: clinical testing. Allele origin: germline.
Comment: This sequence change replaces alanine, which is neutral and non-polar, with valine, which is neutral and non-polar, at codon 579 of the KIF5A protein (p.Ala579Val). This variant is not present in population databases (gnomAD no frequency). This variant has not been reported in the literature in individuals affected with KIF5A-related conditions. Invitae Evidence Modeling of protein sequence and biophysical properties (such as structural, functional, and spatial information, amino acid conservation, physicochemical variation, residue mobility, and thermodynamic stability) indicates that this missense variant is not expected to disrupt KIF5A protein function with a negative predictive value of 95%. In summary, the available evidence is currently insufficient to determine the role of this variant in disease. Therefore, it has been classified as a Variant of Uncertain Significance.

NM_004984.4(KIF5A):c.1736C>T (p.Ala579Val)

Gene: KIF5A (kinesin family member 5A; plus strand). Cytogenetic location: 12q13.3.
Variant type: single nucleotide variant.
Coding change: c.1736C>T on transcript NM_004984.4 (MANE Select); coding-DNA position 1736, C replaced by T.
Protein change: p.Ala579Val; replaces alanine 579 with valine.
Molecular consequence: missense variant.
Genome position (GRCh38, 1-based): chr12:57,575,103, C>T. VCF-style: chr12-57575103-C-T. GRCh37 (hg19) VCF-style: chr12-57968886-C-T.
Other names: c.1469C>T, p.Ala490Val (NM_001354705.2); short protein forms A579V, A490V.
Identifiers: ClinVar variation 3637612 (VCV003637612.2).